The following is an entry in ClinVar:

ClinVar aggregate classification (germline): Likely benign (0 of 4 stars; one submission).

Conditions:
PLXNA2-related disorder. Also called: PLXNA2-related condition.

gnomAD v4.1: 14 of 1,613,964 alleles (0.00087%); highest among the groups gnomAD compares: South Asian, 0.0033%; no homozygotes.

Submission:

PreventionGenetics, part of Exact Sciences
Classification: Likely benign for PLXNA2-related condition. Last evaluated: 2022-04-05. Review status: no assertion criteria provided. Collection method: clinical testing. Allele origin: germline.
Comment: This variant is classified as likely benign based on ACMG/AMP sequence variant interpretation guidelines (Richards et al. 2015 PMID: 25741868, with internal and published modifications).

NM_025179.4(PLXNA2):c.2343C>T (p.Phe781=)

Gene: PLXNA2 (plexin A2; minus strand). Cytogenetic location: 1q32.2.
Variant type: single nucleotide variant.
Coding change: c.2343C>T on transcript NM_025179.4 (MANE Select); coding-DNA position 2343, C replaced by T.
Protein change: p.Phe781=; no amino-acid change (phenylalanine 781 retained).
Molecular consequence: synonymous variant.
Genome position (GRCh38, 1-based): chr1:208,082,464, G>A on the plus strand (C>T on the coding strand, the complement: PLXNA2 is on the minus strand). VCF-style: chr1-208082464-G-A. GRCh37 (hg19) VCF-style: chr1-208255809-G-A.
Identifiers: ClinVar variation 3354729 (VCV003354729.1).